The following is an entry in ClinVar:

ClinVar aggregate classification (germline): Likely benign. Review status: criteria provided, multiple submitters, no conflicts (2 of 4 stars). 2 submissions from 2 submitters: Likely benign (2). Last evaluated 2025-06-16.

Conditions:
Colorectal cancer, susceptibility to, 12 (CRCS12). Also called: COLORECTAL CANCER, SUSCEPTIBILITY TO, ON CHROMOSOME 12q24. Identifiers: Orphanet 220460, MedGen C3554460, MONDO:0014038, OMIM 615083.

Submissions (2):

Labcorp Genetics (formerly Invitae), Labcorp
Classification: Likely benign. Last evaluated: 2025-06-16. Review status: criteria provided, single submitter. Criteria: Invitae Variant Classification Sherloc (09022015). Collection method: clinical testing. Allele origin: germline.

Myriad Genetics, Inc.
Classification: Likely benign for Colorectal cancer, susceptibility to, 12. Last evaluated: 2025-02-07. Review status: criteria provided, single submitter. Criteria: Myriad Autosomal Dominant, Autosomal Recessive and X-Linked Classification Criteria (2023). Collection method: clinical testing. Allele origin: unknown.
Comment: This variant is considered likely benign. This variant is intronic and is not expected to impact mRNA splicing.

NM_006231.4(POLE):c.910-12G>A

Gene: POLE (DNA polymerase epsilon, catalytic subunit; minus strand). Cytogenetic location: 12q24.33.
Variant type: single nucleotide variant.
Coding change: c.910-12G>A on transcript NM_006231.4 (MANE Select); 12 bases into the intron before coding-DNA position 910, G replaced by A.
Molecular consequence: intron variant.
Genome position (GRCh38, 1-based): chr12:132,676,216, C>T on the plus strand (G>A on the coding strand, the complement: POLE is on the minus strand). VCF-style: chr12-132676216-C-T. GRCh37 (hg19) VCF-style: chr12-133252802-C-T.
Identifiers: ClinVar variation 2141501 (VCV002141501.5), dbSNP rs754352820, ClinGen allele CA2575359577.